The following is an entry in ClinVar:

NM_015346.4(ZFYVE26):c.624T>C (p.Asp208=)

Gene: ZFYVE26 (zinc finger FYVE-type containing 26; minus strand). Cytogenetic location: 14q24.1.
Variant type: single nucleotide variant.
Coding change: c.624T>C on transcript NM_015346.4 (MANE Select); coding-DNA position 624, T replaced by C.
Protein change: p.Asp208=; no amino-acid change (aspartic acid 208 retained).
Molecular consequence: synonymous variant.
Genome position (GRCh38, 1-based): chr14:67,807,660, A>G on the plus strand (T>C on the coding strand, the complement: ZFYVE26 is on the minus strand). VCF-style: chr14-67807660-A-G. GRCh37 (hg19) VCF-style: chr14-68274377-A-G.
Identifiers: ClinVar variation 413792 (VCV000413792.51), dbSNP rs140128583, ClinGen allele CA7240754.

ClinVar aggregate classification (germline): Conflicting classifications of pathogenicity. Review status: criteria provided, conflicting classifications (1 of 4 stars). 6 submissions from 6 submitters: Uncertain significance (1); Likely benign (4). 1 of the submissions does not count toward it. Last evaluated 2026-02-01.

Conditions:
ZFYVE26-related disorder. Also called: ZFYVE26-related condition.
Spastic paraplegia. Identifiers: MedGen C0037772, HP:0001258.
Hereditary spastic paraplegia. Also called: Familial spastic paraparesis. Identifiers: Orphanet 685, MedGen C0037773, MONDO:0019064. Disease mechanism: loss of function.

Allele frequency attached by ClinVar (database versions not stated): 1000 Genomes Project 30x 0.00016; 1000 Genomes Project 0.00020; TOPMed 0.00022; gnomAD 0.00031 and 0.00034; gnomAD exomes 0.00047 and 0.00056; ESP Exome Variant Server 0.00054; ExAC 0.00055.
gnomAD v4.1: 727 of 1,614,168 alleles (0.045%); highest among the groups gnomAD compares: Non-Finnish European, 0.045%; 1 homozygote.

Submissions (6):

CeGaT Center for Human Genetics Tuebingen
Classification: Likely benign. Last evaluated: 2026-02-01. Review status: criteria provided, single submitter. Criteria: CeGaT Center For Human Genetics Tuebingen Variant Classification Criteria Version 2. Collection method: clinical testing. Allele origin: germline. Affected: yes. Observed: 3 variant alleles.
Comment: ZFYVE26: BP4, BP7

Labcorp Genetics (formerly Invitae), Labcorp
Classification: Likely benign for Spastic paraplegia. Last evaluated: 2026-01-28. Review status: criteria provided, single submitter. Criteria: Invitae Variant Classification Sherloc (09022015). Collection method: clinical testing. Allele origin: germline.

Blueprint Genetics
Classification: Likely benign. Last evaluated: 2024-11-14. Review status: criteria provided, single submitter. Criteria: ACMG Guidelines, 2015. Collection method: clinical testing. Allele origin: germline.

Athena Diagnostics
Classification: Likely benign. Last evaluated: 2018-03-30. Review status: criteria provided, single submitter. Criteria: Athena Diagnostics Criteria. Collection method: clinical testing. Allele origin: germline.

Genome Diagnostics Laboratory, The Hospital for Sick Children
Classification: Uncertain significance for Hereditary spastic paraplegia. Last evaluated: 2018-02-01. Review status: criteria provided, single submitter. Criteria: ACMG Guidelines, 2015. Collection method: clinical testing. Allele origin: germline. Affected: yes.

PreventionGenetics, part of Exact Sciences
Classification: Likely benign for ZFYVE26-related condition. Last evaluated: 2019-04-18. Review status: no assertion criteria provided. Collection method: clinical testing. Allele origin: germline. Not counted in ClinVar's aggregate classification.
Comment: This variant is classified as likely benign based on ACMG/AMP sequence variant interpretation guidelines (Richards et al. 2015 PMID: 25741868, with internal and published modifications).